The following is an entry in ClinVar:

NM_000051.4(ATM):c.6886del (p.Ala2296fs)

Genes: ATM (ATM serine/threonine kinase; plus strand), C11orf65 (chromosome 11 open reading frame 65; minus strand). Cytogenetic location: 11q22.3.
Variant type: Deletion.
Coding change: c.6886del on transcript NM_000051.4 (MANE Select); coding-DNA position 6886, one base deleted (G; older notation c.6886delG).
Protein change: p.Ala2296fs; shifts the reading frame from alanine 2296.
Molecular consequence: frameshift variant. On other transcripts: intron variant (2).
Genome position (GRCh38, 1-based): chr11:108,326,136, G deleted. VCF-style (leftmost placement, unchanged base first): chr11-108326135-AG-A. GRCh37 (hg19) VCF-style: chr11-108196862-AG-A.
Other names: c.6886del, p.Ala2296fs (NM_001351834.2); c.641-17065del (NM_001330368.2); c.*38+9084del (NM_001351110.2); short protein forms A2296fs.
Identifiers: ClinVar variation 3148621 (VCV003148621.1), dbSNP rs2547217068, ClinGen allele CA2825001937.

ClinVar aggregate classification (germline): Pathogenic (1 of 4 stars; one submission).

Conditions:
Familial cancer of breast. Also called: hereditary breast carcinoma; BREAST CANCER, FAMILIAL; Hereditary breast cancer. Identifiers: Orphanet 227535, MedGen C0346153, MONDO:0016419, OMIM 114480. Disease mechanism: loss of function.

Submission:

Myriad Genetics, Inc.
Classification: Pathogenic for Familial cancer of breast. Last evaluated: 2024-01-30. Review status: criteria provided, single submitter. Criteria: Myriad Autosomal Dominant, Autosomal Recessive and X-Linked Classification Criteria (2023). Collection method: clinical testing. Allele origin: unknown.
Comment: This variant is considered pathogenic. This variant creates a frameshift predicted to result in premature protein truncation.